The following is an entry in ClinVar:

ClinVar aggregate classification (germline): Likely pathogenic. Review status: criteria provided, multiple submitters, no conflicts (2 of 4 stars). 2 submissions from 2 submitters: Likely pathogenic (2). Last evaluated 2025-12-15.

Conditions:
Carnitine palmitoyltransferase II deficiency. Also called: Carnitine Palmitoyltransferase 2 Deficiency. Identifiers: Orphanet 157, MedGen C0342790, MONDO:0015515.
Encephalopathy, acute, infection-induced, susceptibility to, 4. Identifiers: Orphanet 263524, MedGen C3280160, MONDO:0013633, OMIM 614212.

Submissions (2):

Natera, Inc.
Classification: Likely pathogenic for Carnitine palmitoyltransferase II deficiency. Last evaluated: 2025-12-15. Review status: criteria provided, single submitter. Criteria: Natera Variant Classification Schema (03/2026). Collection method: clinical testing. Allele origin: germline.
Comment: The c.1724del variant in CPT2 is a frameshift variant predicted to shift the reading frame beginning at codon 575 and leads to a stop codon 8 codons downstream. This variant is expected to result in nonsense mediated decay, truncation, or a dysfunctional protein product. This variant is rare in the general population with a frequency below the threshold expected for the associated phenotype(s). Given the available evidence, this variant is classified as Likely Pathogenic.

Baylor Genetics
Classification: Likely pathogenic for Encephalopathy, acute, infection-induced, susceptibility to, 4. Last evaluated: 2023-12-23. Review status: criteria provided, single submitter. Criteria: ACMG Guidelines, 2015. Collection method: clinical testing. Allele origin: unknown.

NM_000098.3(CPT2):c.1724del (p.Leu575fs)

Gene: CPT2 (carnitine palmitoyltransferase 2; plus strand). Cytogenetic location: 1p32.3.
Variant type: Deletion.
Coding change: c.1724del on transcript NM_000098.3 (MANE Select); coding-DNA position 1724, one base deleted (T; older notation c.1724delT).
Protein change: p.Leu575fs; shifts the reading frame from leucine 575.
Molecular consequence: frameshift variant.
Genome position (GRCh38, 1-based): chr1:53,213,342, T deleted. VCF-style (leftmost placement, unchanged base first): chr1-53213341-CT-C. GRCh37 (hg19) VCF-style: chr1-53679013-CT-C.
Other names: c.1655del, p.Leu552fs (NM_001330589.2); c.1724del (NM_000098.2); short protein forms L552fs, L575fs.
Identifiers: ClinVar variation 3241207 (VCV003241207.2), dbSNP rs2525596168.
Genomic context (GRCh38, chr1:53,213,341, plus strand): 5'-CACTTGTTTGCTCTGCGGCATCTGGCAGCAGCCAAAGGGATCATCTTGCCTGAGCTCTAC[CT>C]GGACCCTGCATACGGGCAGATAAACCACAATGTCCTGTCCACGAGCACACTGAGCAGCCC-3'